The following is an entry in ClinVar:

NM_020719.3(PRR12):c.3325G>T (p.Asp1109Tyr)

Gene: PRR12 (proline rich 12; plus strand). Cytogenetic location: 19q13.33.
Variant type: single nucleotide variant.
Coding change: c.3325G>T on transcript NM_020719.3 (MANE Select); coding-DNA position 3325, G replaced by T.
Protein change: p.Asp1109Tyr; replaces aspartic acid 1109 with tyrosine.
Molecular consequence: missense variant.
Genome position (GRCh38, 1-based): chr19:49,597,660, G>T. VCF-style: chr19-49597660-G-T. GRCh37 (hg19) VCF-style: chr19-50100917-G-T.
Other names: c.3325G>T (NM_020719.1); short protein forms D1109Y.
Identifiers: ClinVar variation 2429096 (VCV002429096.5), dbSNP rs1384726694, ClinGen allele CA406880196.

ClinVar aggregate classification (germline): Uncertain significance. Review status: criteria provided, multiple submitters, no conflicts (2 of 4 stars). 2 submissions from 2 submitters: Uncertain significance (2). Last evaluated 2025-08-04.

Conditions:
Inborn genetic diseases. Identifiers: MedGen C0950123, MeSH D030342.

Allele frequency attached by ClinVar (database versions not stated): TOPMed below 0.00001; gnomAD 0.00001.
gnomAD v4.1: 9 of 1,605,210 alleles (0.00056%); highest among the groups gnomAD compares: Non-Finnish European, 0.00076%; no homozygotes.

Submissions (2):

Ambry Genetics
Classification: Uncertain significance for Inborn genetic diseases. Last evaluated: 2025-08-04. Review status: criteria provided, single submitter. Criteria: Ambry Variant Classification Scheme 2023. Collection method: clinical testing. Allele origin: germline.

Greenwood Genetic Center Diagnostic Laboratories, Greenwood Genetic Center
Classification: Uncertain significance. Last evaluated: 2022-11-07. Review status: criteria provided, single submitter. Criteria: ACMG Guidelines, 2015. Collection method: clinical testing. Allele origin: germline. Affected: yes.
Comment: PM2, PP3